The following is an entry in ClinVar:

NM_000236.3(LIPC):c.1129C>T (p.Leu377Phe)

Gene: LIPC (lipase C, hepatic type; plus strand). Cytogenetic location: 15q21.3.
Variant type: single nucleotide variant.
Coding change: c.1129C>T on transcript NM_000236.3 (MANE Select); coding-DNA position 1129, C replaced by T.
Protein change: p.Leu377Phe; replaces leucine 377 with phenylalanine.
Molecular consequence: missense variant.
Genome position (GRCh38, 1-based): chr15:58,560,941, C>T. VCF-style: chr15-58560941-C-T. GRCh37 (hg19) VCF-style: chr15-58853140-C-T.
Other names: short protein forms L377F.
Identifiers: ClinVar variation 2981421 (VCV002981421.3), dbSNP rs202150291, ClinGen allele CA7585123.

ClinVar aggregate classification (germline): Uncertain significance (1 of 4 stars; one submission).

Allele frequency attached by ClinVar (database versions not stated): gnomAD 0.00001; gnomAD exomes 0.00001; TOPMed 0.00001; ExAC 0.00002.
gnomAD v4.1: 20 of 1,573,242 alleles (0.0013%); highest among the groups gnomAD compares: East Asian, 0.0022%; no homozygotes.

Submission:

Labcorp Genetics (formerly Invitae), Labcorp
Classification: Uncertain significance. Last evaluated: 2024-10-15. Review status: criteria provided, single submitter. Criteria: Invitae Variant Classification Sherloc (09022015). Collection method: clinical testing. Allele origin: germline.
Comment: This sequence change replaces leucine, which is neutral and non-polar, with phenylalanine, which is neutral and non-polar, at codon 377 of the LIPC protein (p.Leu377Phe). This variant is present in population databases (rs202150291, gnomAD 0.003%). This variant has not been reported in the literature in individuals affected with LIPC-related conditions. Invitae Evidence Modeling of protein sequence and biophysical properties (such as structural, functional, and spatial information, amino acid conservation, physicochemical variation, residue mobility, and thermodynamic stability) indicates that this missense variant is not expected to disrupt LIPC protein function with a negative predictive value of 80%. In summary, the available evidence is currently insufficient to determine the role of this variant in disease. Therefore, it has been classified as a Variant of Uncertain Significance.